The following is an entry in ClinVar:

NM_001040108.2(MLH3):c.2020A>T (p.Asn674Tyr)

Gene: MLH3 (mutL homolog 3; minus strand). Cytogenetic location: 14q24.3.
Variant type: single nucleotide variant.
Coding change: c.2020A>T on transcript NM_001040108.2 (MANE Select); coding-DNA position 2020, A replaced by T.
Protein change: p.Asn674Tyr; replaces asparagine 674 with tyrosine.
Molecular consequence: missense variant.
Genome position (GRCh38, 1-based): chr14:75,047,636, T>A on the plus strand (A>T on the coding strand, the complement: MLH3 is on the minus strand). VCF-style: chr14-75047636-T-A. GRCh37 (hg19) VCF-style: chr14-75514339-T-A.
Other names: c.2020A>T, p.Asn674Tyr (NM_014381.3); short protein forms N674Y.
Identifiers: ClinVar variation 1784547 (VCV001784547.2), dbSNP rs2503280504, ClinGen allele CA390443358.

ClinVar aggregate classification (germline): Uncertain significance (1 of 4 stars; one submission).

Submission:

Ambry Genetics
Classification: Uncertain significance. Last evaluated: 2021-12-12. Review status: criteria provided, single submitter. Criteria: Ambry Variant Classification Scheme 2023. Collection method: clinical testing. Allele origin: germline.
Comment: The p.N674Y variant (also known as c.2020A>T), located in coding exon 1 of the MLH3 gene, results from an A to T substitution at nucleotide position 2020. The asparagine at codon 674 is replaced by tyrosine, an amino acid with dissimilar properties. This amino acid position is conserved. In addition, this alteration is predicted to be tolerated by in silico analysis. Since supporting evidence is limited at this time, the clinical significance of this alteration remains unclear.